The following is an entry in ClinVar:

NM_005984.5(SLC25A1):c.890A>G (p.Tyr297Cys)

Gene: SLC25A1 (solute carrier family 25 member 1; minus strand). Cytogenetic location: 22q11.21.
Variant type: single nucleotide variant.
Coding change: c.890A>G on transcript NM_005984.5 (MANE Select); coding-DNA position 890, A replaced by G.
Protein change: p.Tyr297Cys; replaces tyrosine 297 with cysteine.
Molecular consequence: missense variant. On other transcripts: non-coding transcript variant (1).
Genome position (GRCh38, 1-based): chr22:19,176,176, T>C on the plus strand (A>G on the coding strand, the complement: SLC25A1 is on the minus strand). VCF-style: chr22-19176176-T-C. GRCh37 (hg19) VCF-style: chr22-19163689-T-C.
Other names: c.911A>G, p.Tyr304Cys (NM_001256534.2); c.581A>G, p.Tyr194Cys (NM_001287387.2); short protein forms Y194C, Y297C, Y304C.
Identifiers: ClinVar variation 3383846 (VCV003383846.1).

ClinVar aggregate classification (germline): Likely pathogenic (1 of 4 stars; one submission).

Submission:

GeneDx
Classification: Likely pathogenic. Last evaluated: 2024-05-25. Review status: criteria provided, single submitter. Criteria: GeneDx Variant Classification Process June 2021. Collection method: clinical testing. Allele origin: germline. Affected: yes.
Comment: Published functional studies demonstrate a damaging effect with this variant resulting in reduced transport activity (PMID: 29238895, 29031613); Not observed at significant frequency in large population cohorts (gnomAD); In silico analysis supports that this missense variant has a deleterious effect on protein structure/function; This variant is associated with the following publications: (PMID: 29238895, 29031613, 23561848)